The following is an entry in ClinVar:

ClinVar aggregate classification (germline): Uncertain significance (1 of 4 stars; one submission).

Conditions:
Baller-Gerold syndrome (BGS). Also called: CRANIOSYNOSTOSIS WITH RADIAL DEFECTS. Identifiers: Orphanet 1225, MedGen C0265308, MONDO:0009039, OMIM 218600.

Submission:

Labcorp Genetics (formerly Invitae), Labcorp
Classification: Uncertain significance for Baller-Gerold syndrome. Last evaluated: 2019-11-27. Review status: criteria provided, single submitter. Criteria: Invitae Variant Classification Sherloc (09022015). Collection method: clinical testing. Allele origin: germline.
Comment: This sequence change falls in intron 9 of the RECQL4 gene. It does not directly change the encoded amino acid sequence of the RECQL4 protein, but it affects a nucleotide within the consensus splice site of the intron. Nucleotide substitutions within the consensus splice site are a relatively common cause of aberrant splicing (PMID: 17576681, 9536098). Algorithms developed to predict the effect of sequence changes on RNA splicing suggest that this variant may disrupt the consensus splice site, but this prediction has not been confirmed by published transcriptional studies. This variant has not been reported in the literature in individuals with RECQL4-related conditions. This variant is not present in population databases (ExAC no frequency). In summary, the available evidence is currently insufficient to determine the role of this variant in disease. Therefore, it has been classified as a Variant of Uncertain Significance.

Literature cited by the submitters: PubMed 17576681; PubMed 9536098.

NM_004260.4(RECQL4):c.1621-3C>G

Gene: RECQL4 (RecQ like helicase 4; minus strand). Cytogenetic location: 8q24.3.
Variant type: single nucleotide variant.
Coding change: c.1621-3C>G on transcript NM_004260.4 (MANE Select); 3 bases into the intron before coding-DNA position 1621, C replaced by G.
Molecular consequence: intron variant.
Genome position (GRCh38, 1-based): chr8:144,514,528, G>C on the plus strand (C>G on the coding strand, the complement: RECQL4 is on the minus strand). VCF-style: chr8-144514528-G-C. GRCh37 (hg19) VCF-style: chr8-145739912-G-C.
Identifiers: ClinVar variation 851629 (VCV000851629.6), dbSNP rs1827866210, ClinGen allele CA916083022.
Genomic context (GRCh38, chr8:144,514,528, plus strand): 5'-TCCTGGTCATGCCCGAGTGTATGCAGGCCGCCTTGAGACACGGTGGCAGGCCAGACACCT[G>C]CAAATGCAGGAGCGACAGCCGTCATACGCCAGCCCAGCCCTGGCCCTTCCCCAAGTCATC-3'